The following is an entry in ClinVar:

NM_021615.5(CHST6):c.1033G>A (p.Val345Met)

Gene: CHST6 (carbohydrate sulfotransferase 6; minus strand). Cytogenetic location: 16q23.1.
Variant type: single nucleotide variant.
Coding change: c.1033G>A on transcript NM_021615.5 (MANE Select); coding-DNA position 1033, G replaced by A.
Protein change: p.Val345Met; replaces valine 345 with methionine.
Molecular consequence: missense variant.
Genome position (GRCh38, 1-based): chr16:75,478,796, C>T on the plus strand (G>A on the coding strand, the complement: CHST6 is on the minus strand). VCF-style: chr16-75478796-C-T. GRCh37 (hg19) VCF-style: chr16-75512694-C-T.
Other names: c.1033G>A (NM_021615.4); short protein forms V345M.
Identifiers: ClinVar variation 2055822 (VCV002055822.5), dbSNP rs528292322, ClinGen allele CA8175321.

ClinVar aggregate classification (germline): Uncertain significance. Review status: criteria provided, multiple submitters, no conflicts (2 of 4 stars). 2 submissions from 2 submitters: Uncertain significance (2). Last evaluated 2024-07-08.

Conditions:
Inborn genetic diseases. Identifiers: MedGen C0950123, MeSH D030342.
Macular corneal dystrophy (MCD). Also called: GROENOUW TYPE II CORNEAL DYSTROPHY; Macular corneal dystrophy Type I. Identifiers: Orphanet 98969, MedGen C1636149, MONDO:0009020, OMIM 217800.

Allele frequency attached by ClinVar (database versions not stated): ExAC 0.00001; gnomAD 0.00004; TOPMed 0.00005.
gnomAD v4.1: 69 of 1,613,366 alleles (0.0043%); highest among the groups gnomAD compares: Admixed American, 0.012%; no homozygotes.

Submissions (2):

Labcorp Genetics (formerly Invitae), Labcorp
Classification: Uncertain significance for Macular corneal dystrophy. Last evaluated: 2024-07-08. Review status: criteria provided, single submitter. Criteria: Invitae Variant Classification Sherloc (09022015). Collection method: clinical testing. Allele origin: germline.
Comment: This sequence change replaces valine, which is neutral and non-polar, with methionine, which is neutral and non-polar, at codon 345 of the CHST6 protein (p.Val345Met). This variant is present in population databases (rs528292322, gnomAD 0.009%). This variant has not been reported in the literature in individuals affected with CHST6-related conditions. ClinVar contains an entry for this variant (Variation ID: 2055822). Advanced modeling of protein sequence and biophysical properties (such as structural, functional, and spatial information, amino acid conservation, physicochemical variation, residue mobility, and thermodynamic stability) performed at Invitae indicates that this missense variant is not expected to disrupt CHST6 protein function with a negative predictive value of 80%. In summary, the available evidence is currently insufficient to determine the role of this variant in disease. Therefore, it has been classified as a Variant of Uncertain Significance.

Ambry Genetics
Classification: Uncertain significance for Inborn genetic diseases. Last evaluated: 2023-12-19. Review status: criteria provided, single submitter. Criteria: Ambry Variant Classification Scheme 2023. Collection method: clinical testing. Allele origin: germline.